The following is an entry in ClinVar:

NM_002471.4(MYH6):c.2273A>G (p.Tyr758Cys)

Gene: MYH6 (myosin heavy chain 6; minus strand). Cytogenetic location: 14q11.2.
Variant type: single nucleotide variant.
Coding change: c.2273A>G on transcript NM_002471.4 (MANE Select); coding-DNA position 2273, A replaced by G.
Protein change: p.Tyr758Cys; replaces tyrosine 758 with cysteine.
Molecular consequence: missense variant.
Genome position (GRCh38, 1-based): chr14:23,396,713, T>C on the plus strand (A>G on the coding strand, the complement: MYH6 is on the minus strand). VCF-style: chr14-23396713-T-C. GRCh37 (hg19) VCF-style: chr14-23865922-T-C.
Other names: short protein forms Y758C.
Identifiers: ClinVar variation 264481 (VCV000264481.5), dbSNP rs528854076, ClinGen allele CA7115538.
Genomic context (GRCh38, chr14:23,396,713, plus strand): 5'-GCCACCTGCCCTGCAACCACCCAGTGGGGCTCTAGACTCACCTTGGTGTGGCCAAACTTG[T>C]ACTGGTTGTGATCAATGTCCAGAGAGCTGAGCAGCTTCTCTGTCCCCTTCCTGCTATCAA-3'
Protein context (NP_002462.2, residues 748-768): LSSLDIDHNQ[Tyr758Cys]KFGHTKVFFK

ClinVar aggregate classification (germline): Uncertain significance (1 of 4 stars; one submission).

Conditions:
Cardiovascular phenotype. Identifiers: MedGen CN230736.

Allele frequency attached by ClinVar (database versions not stated): gnomAD 0.00001; gnomAD exomes 0.00001; ExAC 0.00002; 1000 Genomes Project 30x 0.00031; 1000 Genomes Project 0.00040.
gnomAD v4.1: 9 of 1,614,030 alleles (0.00056%); highest among the groups gnomAD compares: South Asian, 0.0088%; no homozygotes.

Submission:

Ambry Genetics
Classification: Uncertain significance for Cardiovascular phenotype. Last evaluated: 2015-11-06. Review status: criteria provided, single submitter. Criteria: Ambry Variant Classification Scheme 2023. Collection method: clinical testing. Allele origin: germline.
Comment: The p.Y758C variant (also known as c.2273A>G), located in coding exon 17 of the MYH6 gene, results from an A to G substitution at nucleotide position 2273. The tyrosine at codon 758 is replaced by cysteine, an amino acid with highly dissimilar properties. This variant was previously reported in the SNPDatabase as rs528854076. Based on data from ExAC, the G allele was reported in 2 of 121408 (0.002%) total alleles (Exome Aggregation Consortium (ExAC), Cambridge, MA (URL) [Accessed October 29, 2015]). This variant was not reported in population based cohorts in the following databases: NHLBI Exome Sequencing Project (ESP), and 1000 Genomes Project. In the ESP, this variant was not observed in 6503 samples (13006 alleles) with coverage at this position. This amino acid position is highly conserved in available vertebrate species. In addition, this alteration is predicted to be deleterious by in silico analysis. Since supporting evidence is limited at this time, the clinical significance of this variant remains unclear.